The following is an entry in ClinVar:

NM_139125.4(MASP1):c.1090+2861G>A

Gene: MASP1 (MBL associated serine protease 1; minus strand). Cytogenetic location: 3q27.3.
Variant type: single nucleotide variant.
Coding change: c.1090+2861G>A on transcript NM_139125.4 (MANE Select); 2861 bases into the intron after coding-DNA position 1090, G replaced by A.
Molecular consequence: intron variant.
Genome position (GRCh38, 1-based): chr3:187,247,390, C>T on the plus strand (G>A on the coding strand, the complement: MASP1 is on the minus strand). VCF-style: chr3-187247390-C-T. GRCh37 (hg19) VCF-style: chr3-186965178-C-T.
Other names: c.1090+2861G>A (NM_001879.6); c.1091-5G>A (NM_001031849.3).
Identifiers: ClinVar variation 3052089 (VCV003052089.2), dbSNP rs376375860, ClinGen allele CA2749388.
Genomic context (GRCh38, chr3:187,247,390, plus strand): 5'-CATTCACTCTGTCACTTGCTCTGACTTGAGTTCGCTCTCCAGATCGATTTCATTTTCTGC[C>T]ACCATGGTGAAGATCAAAGAGGGATCAAGAGATACAGAGGAAGGAAGCAGAGAGAGGAAG-3'

ClinVar aggregate classification (germline): Likely benign (0 of 4 stars; one submission).

Conditions:
MASP1-related disorder. Also called: MASP1-related condition.

Allele frequency attached by ClinVar (database versions not stated): ExAC 0.00005; ESP Exome Variant Server 0.00008; gnomAD 0.00008; TOPMed 0.00015; 1000 Genomes Project 30x 0.00016; 1000 Genomes Project 0.00020.
gnomAD v4.1: 53 of 1,614,044 alleles (0.0033%); highest among the groups gnomAD compares: African/African-American, 0.036%; no homozygotes.

Submission:

PreventionGenetics, part of Exact Sciences
Classification: Likely benign for MASP1-related condition. Last evaluated: 2020-02-04. Review status: no assertion criteria provided. Collection method: clinical testing. Allele origin: germline.
Comment: This variant is classified as likely benign based on ACMG/AMP sequence variant interpretation guidelines (Richards et al. 2015 PMID: 25741868, with internal and published modifications).